The following is an entry in ClinVar:

ClinVar aggregate classification (germline): Conflicting classifications of pathogenicity. Review status: criteria provided, conflicting classifications (1 of 4 stars). 5 submissions from 5 submitters: Uncertain significance (3); Likely benign (2). Last evaluated 2025-03-10.

Conditions:
Inborn genetic diseases. Identifiers: MedGen C0950123, MeSH D030342.
Spondylometaphyseal dysplasia - Sutcliffe type. Also called: Spondylometaphyseal Dysplasia, Corner Fracture Type; Spondylometaphyseal dysplasia, 'corner fracture' type; Sutcliffe type of spondylometaphyseal dysplasia; Sutcliffe SMD. Identifiers: Orphanet 93315, MedGen C0432221, MONDO:0008479, OMIM 184255.
Glomerulopathy with fibronectin deposits 2 (GFND2). Identifiers: Orphanet 84090, MedGen C1866075, MONDO:0011165, OMIM 601894.

Allele frequency attached by ClinVar (database versions not stated): gnomAD exomes 0.00004 and 0.00010; ESP Exome Variant Server 0.00008; TOPMed 0.00009; ExAC 0.00016.
gnomAD v4.1: 76 of 1,613,882 alleles (0.0047%); highest among the groups gnomAD compares: Admixed American, 0.0067%; no homozygotes.

Submissions (5):

Labcorp Genetics (formerly Invitae), Labcorp
Classification: Uncertain significance. Last evaluated: 2025-03-10. Review status: criteria provided, single submitter. Criteria: Invitae Variant Classification Sherloc (09022015). Collection method: clinical testing. Allele origin: germline.
Comment: This sequence change replaces arginine, which is basic and polar, with histidine, which is basic and polar, at codon 290 of the FN1 protein (p.Arg290His). This variant is present in population databases (rs150990682, gnomAD 0.02%), and has an allele count higher than expected for a pathogenic variant. This variant has not been reported in the literature in individuals affected with FN1-related conditions. ClinVar contains an entry for this variant (Variation ID: 1020947). An algorithm developed to predict the effect of missense changes on protein structure and function outputs the following: PolyPhen-2: "Benign". The histidine amino acid residue is found in multiple mammalian species, which suggests that this missense change does not adversely affect protein function. In summary, the available evidence is currently insufficient to determine the role of this variant in disease. Therefore, it has been classified as a Variant of Uncertain Significance.

Revvity Omics, Revvity
Classification: Uncertain significance. Last evaluated: 2025-02-04. Review status: criteria provided, single submitter. Criteria: ACMG Guidelines, 2015. Collection method: clinical testing. Allele origin: germline.

Fulgent Genetics
Classification: Uncertain significance for Spondylometaphyseal dysplasia - Sutcliffe type; Glomerulopathy with fibronectin deposits 2. Last evaluated: 2024-02-01. Review status: criteria provided, single submitter. Criteria: ACMG Guidelines, 2015. Collection method: clinical testing. Allele origin: germline.

Blueprint Genetics
Classification: Likely benign. Last evaluated: 2023-12-14. Review status: criteria provided, single submitter. Criteria: ACMG Guidelines, 2015. Collection method: clinical testing. Allele origin: germline.

Ambry Genetics
Classification: Likely benign for Inborn genetic diseases. Last evaluated: 2021-09-01. Review status: criteria provided, single submitter. Criteria: Ambry Variant Classification Scheme 2023. Collection method: clinical testing. Allele origin: germline.

NM_212482.4(FN1):c.869G>A (p.Arg290His)

Gene: FN1 (fibronectin 1; minus strand). Cytogenetic location: 2q35.
Variant type: single nucleotide variant.
Coding change: c.869G>A on transcript NM_212482.4 (MANE Select); coding-DNA position 869, G replaced by A.
Protein change: p.Arg290His; replaces arginine 290 with histidine.
Molecular consequence: missense variant.
Genome position (GRCh38, 1-based): chr2:215,425,261, C>T on the plus strand (G>A on the coding strand, the complement: FN1 is on the minus strand). VCF-style: chr2-215425261-C-T. GRCh37 (hg19) VCF-style: chr2-216289984-C-T.
Other names: c.869G>A (NM_212482.3, NM_212482.1); c.869G>A, p.Arg290His (NM_001306129.2, NM_001306130.2, NM_001306131.2 and 14 more transcripts); short protein forms R290H.
Identifiers: ClinVar variation 1020947 (VCV001020947.14), dbSNP rs150990682, ClinGen allele CA2095435.